The following is an entry in ClinVar:

NM_005633.4(SOS1):c.2147A>T (p.Glu716Val)

Gene: SOS1 (SOS Ras/Rac guanine nucleotide exchange factor 1; minus strand). Cytogenetic location: 2p22.1.
Variant type: single nucleotide variant.
Coding change: c.2147A>T on transcript NM_005633.4 (MANE Select); coding-DNA position 2147, A replaced by T.
Protein change: p.Glu716Val; replaces glutamic acid 716 with valine.
Molecular consequence: missense variant.
Genome position (GRCh38, 1-based): chr2:39,013,480, T>A on the plus strand (A>T on the coding strand, the complement: SOS1 is on the minus strand). VCF-style: chr2-39013480-T-A. GRCh37 (hg19) VCF-style: chr2-39240621-T-A.
Other names: c.2126A>T, p.Glu709Val (NM_001382394.1); c.2147A>T, p.Glu716Val (NM_001382395.1); short protein forms E709V, E716V.
Identifiers: ClinVar variation 1715223 (VCV001715223.5), dbSNP rs2528997625, ClinGen allele CA346364540.

ClinVar aggregate classification (germline): Uncertain significance (1 of 4 stars; one submission).

Conditions:
RASopathy. Also called: rasopathies; Noonan spectrum disorder. Identifiers: Orphanet 536391, MedGen C5555857, MONDO:0021060.

Submission:

Labcorp Genetics (formerly Invitae), Labcorp
Classification: Uncertain significance for RASopathy. Last evaluated: 2022-08-05. Review status: criteria provided, single submitter. Criteria: Invitae Variant Classification Sherloc (09022015). Collection method: clinical testing. Allele origin: germline.
Comment: In summary, the available evidence is currently insufficient to determine the role of this variant in disease. Therefore, it has been classified as a Variant of Uncertain Significance. Algorithms developed to predict the effect of missense changes on protein structure and function (SIFT, PolyPhen-2, Align-GVGD) all suggest that this variant is likely to be tolerated. This variant has not been reported in the literature in individuals affected with SOS1-related conditions. This variant is not present in population databases (gnomAD no frequency). This sequence change replaces glutamic acid, which is acidic and polar, with valine, which is neutral and non-polar, at codon 716 of the SOS1 protein (p.Glu716Val).